The following is an entry in ClinVar:

NM_022436.3(ABCG5):c.431T>C (p.Val144Ala)

Gene: ABCG5 (ATP binding cassette subfamily G member 5; minus strand). Cytogenetic location: 2p21.
Variant type: single nucleotide variant.
Coding change: c.431T>C on transcript NM_022436.3 (MANE Select); coding-DNA position 431, T replaced by C.
Protein change: p.Val144Ala; replaces valine 144 with alanine.
Molecular consequence: missense variant.
Genome position (GRCh38, 1-based): chr2:43,831,839, A>G on the plus strand (T>C on the coding strand, the complement: ABCG5 is on the minus strand). VCF-style: chr2-43831839-A-G. GRCh37 (hg19) VCF-style: chr2-44058978-A-G.
Other names: short protein forms V144A.
Identifiers: ClinVar variation 197336 (VCV000197336.18), dbSNP rs376797531, ClinGen allele CA245415.

ClinVar aggregate classification (germline): Uncertain significance. Review status: criteria provided, multiple submitters, no conflicts (2 of 4 stars). 8 submissions from 8 submitters: Uncertain significance (8). Last evaluated 2026-06-29.

Conditions:
Sitosterolemia 2. Identifiers: MedGen C5231453, MONDO:0020748, OMIM 618666.
ABCG5-related disorder. Also called: ABCG5-related condition.
Cardiovascular phenotype. Identifiers: MedGen CN230736.
Sitosterolemia (STSL). Also called: PHYTOSTEROLEMIA. Identifiers: Orphanet 2882, MedGen C0342907, MONDO:0008863.

Allele frequency attached by ClinVar (database versions not stated): gnomAD exomes 0.00003 and 0.00005; ESP Exome Variant Server 0.00008; ExAC 0.00011; gnomAD 0.00026 and 0.00032; TOPMed 0.00026.
gnomAD v4.1: 77 of 1,582,268 alleles (0.0049%); highest among the groups gnomAD compares: African/African-American, 0.096%; no homozygotes.

Submissions (8):

PreventionGenetics, part of Exact Sciences
Classification: Uncertain significance for ABCG5-related condition. Last evaluated: 2026-06-29. Review status: criteria provided, single submitter. Criteria: ACMG Guidelines, 2015. Collection method: clinical testing. Allele origin: germline.
Comment: The ABCG5 c.431T>C variant is predicted to result in the amino acid substitution p.Val144Ala. This variant was reported with uncertain significance in study of individuals with dyslipidemia and metabolic disorders, however specific details regarding patient phenotype and variant information were not provided (Supplementary Tables S3 and S4, Dron et al. 2020. PubMed ID: 32041611). This variant is reported in 0.091% of alleles in individuals of African descent in gnomAD. Although we suspect this variant could be benign, at this time, the clinical significance of this variant is uncertain due to the absence of conclusive functional and genetic evidence.

Labcorp Genetics (formerly Invitae), Labcorp
Classification: Uncertain significance for Sitosterolemia. Last evaluated: 2026-01-02. Review status: criteria provided, single submitter. Criteria: Invitae Variant Classification Sherloc (09022015). Collection method: clinical testing. Allele origin: germline.
Comment: This sequence change replaces valine, which is neutral and non-polar, with alanine, which is neutral and non-polar, at codon 144 of the ABCG5 protein (p.Val144Ala). This variant is present in population databases (rs376797531, gnomAD 0.09%). This missense change has been observed in individual(s) with clinical features of dyslipidemia (PMID: 32041611, 34650182). ClinVar contains an entry for this variant (Variation ID: 197336). An algorithm developed to predict the effect of missense changes on protein structure and function (PolyPhen-2) suggests that this variant is likely to be disruptive. In summary, the available evidence is currently insufficient to determine the role of this variant in disease. Therefore, it has been classified as a Variant of Uncertain Significance.

Blueprint Genetics
Classification: Uncertain significance. Last evaluated: 2024-10-18. Review status: criteria provided, single submitter. Criteria: ACMG Guidelines, 2015. Collection method: clinical testing. Allele origin: germline.

Revvity Omics, Revvity
Classification: Uncertain significance for Sitosterolemia 2. Last evaluated: 2024-02-21. Review status: criteria provided, single submitter. Criteria: ACMG Guidelines, 2015. Collection method: clinical testing. Allele origin: germline.

Women's Health and Genetics/Laboratory Corporation of America, LabCorp
Classification: Uncertain significance. Last evaluated: 2023-08-15. Review status: criteria provided, single submitter. Criteria: LabCorp Variant Classification Summary - May 2015. Collection method: clinical testing. Allele origin: germline.
Comment: Variant summary: ABCG5 c.431T>C (p.Val144Ala) results in a non-conservative amino acid change located in the ABC transporter-like, ATP-binding domain (IPR003439) of the encoded protein sequence. Three of five in-silico tools predict a damaging effect of the variant on protein function. The variant allele was found at a frequency of 4.9e-05 in 203276 control chromosomes (gnomAD). This frequency is not significantly higher than estimated for a pathogenic variant in ABCG5 causing Early Onset Coronary Artery Disease (4.9e-05 vs 0.005), allowing no conclusion about variant significance. c.431T>C has been reported in the literature in individuals affected with dyslipidemia (e.g., Dron_2020, Fatch_2021), however without strong evidence for causality (e.g., lack of co-occurrence and co-segregation data). These reports therefore do not provide unequivocal conclusions about association of the variant with Early Onset Coronary Artery Disease. To our knowledge, no experimental evidence demonstrating an impact on protein function has been reported. The following publications have been ascertained in the context of this evaluation (PMID: 32041611, 34650182). Five submitters have reported clinical-significance assessments for this variant to ClinVar after 2014. All submitters classified the variant as uncertain significance. Based on the evidence outlined above, the variant was classified as uncertain significance.

Fulgent Genetics
Classification: Uncertain significance for Sitosterolemia 2. Last evaluated: 2021-07-26. Review status: criteria provided, single submitter. Criteria: ACMG Guidelines, 2015. Collection method: clinical testing. Allele origin: unknown.

Ambry Genetics
Classification: Uncertain significance for Cardiovascular phenotype. Last evaluated: 2020-11-16. Review status: criteria provided, single submitter. Criteria: Ambry Variant Classification Scheme 2023. Collection method: clinical testing. Allele origin: germline.
Comment: The p.V144A variant (also known as c.431T>C), located in coding exon 4 of the ABCG5 gene, results from a T to C substitution at nucleotide position 431. The valine at codon 144 is replaced by alanine, an amino acid with similar properties. This amino acid position is well conserved in available vertebrate species. In addition, the in silico prediction for this alteration is inconclusive. Since supporting evidence is limited at this time, the clinical significance of this alteration remains unclear.

Eurofins Ntd Llc (ga)
Classification: Uncertain significance. Last evaluated: 2018-06-21. Review status: criteria provided, single submitter. Criteria: EGL ClinVar v180209 classification definitions. Collection method: clinical testing. Allele origin: germline. Observed: 4 variant alleles, 4 heterozygotes.

Literature cited by the submitters: PubMed 32041611 (cited by Labcorp Genetics (formerly Invitae), Labcorp and Women's Health and Genetics/Laboratory Corporation of America, LabCorp); PubMed 34650182 (cited by Labcorp Genetics (formerly Invitae), Labcorp and Women's Health and Genetics/Laboratory Corporation of America, LabCorp).